The following is an entry in ClinVar:

NM_001127178.3(PIGG):c.1562_1563del (p.Val521fs)

Gene: PIGG (phosphatidylinositol glycan anchor biosynthesis class G (EMM blood group); plus strand). Cytogenetic location: 4p16.3.
Variant type: Microsatellite.
Coding change: c.1562_1563del on transcript NM_001127178.3 (MANE Select); coding-DNA positions 1562 to 1563, 2 bases deleted (TG; older notation c.1562_1563delTG).
Protein change: p.Val521fs; shifts the reading frame from valine 521.
Molecular consequence: frameshift variant. On other transcripts: 3 prime UTR variant (2), non-coding transcript variant (10).
Genome position (GRCh38, 1-based): chr4:521,889-521,890, TG deleted; deleting any 2 consecutive bases within chr4:521,883-521,890 gives the same sequence; the c. name uses the placement nearest the transcript's 3' end. VCF-style (leftmost placement, unchanged base first): chr4-521882-CTG-C. GRCh37 (hg19) VCF-style: chr4-515671-CTG-C.
Other names: c.1295_1296del, p.Val432fs (NM_001289051.2, NM_001289053.2, NM_001345986.2); c.1163_1164del, p.Val388fs (NM_001289052.2); c.*118TG[3] (NM_001289055.2); c.*171TG[3] (NM_001289057.2); c.1271_1272del, p.Val424fs (NM_001345987.2); c.533_534del, p.Val178fs (NM_001345988.2); c.1562_1563del, p.Val521fs (NM_001345989.2); c.29_30del, p.Val10fs (NM_001345990.2, NM_001345991.2); and 2 more; short protein forms V178fs, V432fs, V521fs, V10fs, V155fs, V388fs, V424fs, V513fs.
Identifiers: ClinVar variation 2080198 (VCV002080198.4), dbSNP rs1293009471, ClinGen allele CA796077278.

ClinVar aggregate classification (germline): Pathogenic (1 of 4 stars; one submission).

Conditions:
Intellectual disability, autosomal recessive 53 (NEDHSCA). Also called: GLYCOSYLPHOSPHATIDYLINOSITOL BIOSYNTHESIS DEFECT 13; Mental retardation, autosomal recessive 53; NEURODEVELOPMENTAL DISORDER WITH OR WITHOUT HYPOTONIA, SEIZURES, AND CEREBELLAR ATROPHY. Identifiers: Orphanet 488635, MedGen C4310794, MONDO:0014832, OMIM 616917.

Submission:

Labcorp Genetics (formerly Invitae), Labcorp
Classification: Pathogenic for Intellectual disability, autosomal recessive 53. Last evaluated: 2024-10-08. Review status: criteria provided, single submitter. Criteria: Invitae Variant Classification Sherloc (09022015). Collection method: clinical testing. Allele origin: germline.
Comment: This sequence change creates a premature translational stop signal (p.Val521Aspfs*81) in the PIGG gene. It is expected to result in an absent or disrupted protein product. Loss-of-function variants in PIGG are known to be pathogenic (PMID: 26996948, 28581210, 28771251). This variant is not present in population databases (gnomAD no frequency). This variant has not been reported in the literature in individuals affected with PIGG-related conditions. For these reasons, this variant has been classified as Pathogenic.

Literature cited by the submitters: PubMed 26996948; PubMed 28581210; PubMed 28771251.